The following is an entry in ClinVar:

NM_018075.5(ANO10):c.1926C>T (p.Leu642=)

Gene: ANO10 (anoctamin 10; minus strand). Cytogenetic location: 3p22.1.
Variant type: single nucleotide variant.
Coding change: c.1926C>T on transcript NM_018075.5 (MANE Select); coding-DNA position 1926, C replaced by T.
Protein change: p.Leu642=; no amino-acid change (leucine 642 retained).
Molecular consequence: synonymous variant. On other transcripts: 3 prime UTR variant (1).
Genome position (GRCh38, 1-based): chr3:43,366,963, G>A on the plus strand (C>T on the coding strand, the complement: ANO10 is on the minus strand). VCF-style: chr3-43366963-G-A. GRCh37 (hg19) VCF-style: chr3-43408455-G-A.
Other names: c.*45C>T (NM_001204831.3); c.1728C>T, p.Leu576= (NM_001204832.3, NM_001346466.2, NM_001346469.2); c.1593C>T, p.Leu531= (NM_001204833.3); c.1356C>T, p.Leu452= (NM_001204834.3); c.1926C>T, p.Leu642= (NM_001346463.2, NM_001346468.2); c.2043C>T, p.Leu681= (NM_001346464.2, NM_001346467.2); c.1809C>T, p.Leu603= (NM_001346465.2); c.1926C>T (NM_018075.4).
Identifiers: ClinVar variation 2967521 (VCV002967521.5), dbSNP rs747153209, ClinGen allele CA2340609.

ClinVar aggregate classification (germline): Likely benign. Review status: criteria provided, single submitter (1 of 4 stars). 2 submissions from 2 submitters: Likely benign (1). 1 of the submissions does not count toward it. Last evaluated 2026-01-26.

Conditions:
ANO10-related disorder. Also called: ANO10-related condition.

Allele frequency attached by ClinVar (database versions not stated): gnomAD 0.00001; ExAC 0.00004.
gnomAD v4.1: 20 of 1,601,138 alleles (0.0012%); highest among the groups gnomAD compares: East Asian, 0.027%; no homozygotes.

Submissions (2):

Labcorp Genetics (formerly Invitae), Labcorp
Classification: Likely benign. Last evaluated: 2026-01-26. Review status: criteria provided, single submitter. Criteria: Invitae Variant Classification Sherloc (09022015). Collection method: clinical testing. Allele origin: germline.

PreventionGenetics, part of Exact Sciences
Classification: Likely benign for ANO10-related condition. Last evaluated: 2019-08-01. Review status: no assertion criteria provided. Collection method: clinical testing. Allele origin: germline. Not counted in ClinVar's aggregate classification.
Comment: This variant is classified as likely benign based on ACMG/AMP sequence variant interpretation guidelines (Richards et al. 2015 PMID: 25741868, with internal and published modifications).